The following is an entry in ClinVar:

NC_000012.11:g.(?_103306549)_(103306696_?)del

Gene: PAH (phenylalanine hydroxylase; minus strand). Cytogenetic location: 12q23.2.
Variant type: Deletion.
Identifiers: ClinVar variation 3244236 (VCV003244236.1).

ClinVar aggregate classification (germline): Pathogenic (1 of 4 stars; one submission).

Conditions:
Phenylketonuria (PKU). Also called: FOLLING DISEASE; OLIGOPHRENIA PHENYLPYRUVICA; Phenylketonurias; Phenylketonuria (PKU). Identifiers: Orphanet 716, MedGen C0031485, MONDO:0009861, OMIM 261600. Disease mechanism: loss of function.

Submission:

Labcorp Genetics (formerly Invitae), Labcorp
Classification: Pathogenic for Phenylketonuria. Last evaluated: 2023-04-20. Review status: criteria provided, single submitter. Criteria: Invitae Variant Classification Sherloc (09022015). Collection method: clinical testing. Allele origin: unknown.
Comment: This variant is a gross deletion of the genomic region encompassing exon(s) 2 of the PAH gene. This variant would be expected to be in-frame, preserving the integrity of the reading frame. For these reasons, this variant has been classified as Pathogenic. This variant disrupts a region of the PAH protein in which other variant(s) (p.Leu48Ser) have been determined to be pathogenic (PMID: 1679030, 9399896, 23430547, 23500595). This suggests that this is a clinically significant region of the protein, and that variants that disrupt it are likely to be disease-causing. This variant has not been reported in the literature in individuals affected with PAH-related conditions.

Literature cited by the submitters: PubMed 1679030; PubMed 9399896; PubMed 23430547; PubMed 23500595.